The following is an entry in ClinVar:

NM_001161352.2(KCNMA1):c.2484+33G>A

Genes: KCNMA1-AS1 (KCNMA1 antisense RNA 1; plus strand), KCNMA1 (potassium calcium-activated channel subfamily M alpha 1; minus strand). Cytogenetic location: 10q22.3.
Variant type: single nucleotide variant.
Coding change: c.2484+33G>A on transcript NM_001161352.2 (MANE Select); 33 bases into the intron after coding-DNA position 2484, G replaced by A.
Molecular consequence: intron variant.
Genome position (GRCh38, 1-based): chr10:76,953,768, C>T on the plus strand (G>A on the coding strand, the complement: KCNMA1 is on the minus strand). VCF-style: chr10-76953768-C-T. GRCh37 (hg19) VCF-style: chr10-78713526-C-T.
Other names: c.2160+33G>A (NM_001271518.2); c.2310+33G>A (NM_001322832.2, NM_002247.4, NM_001161353.2); c.2319+33G>A (NM_001322829.2, NM_001322836.2, NM_001271519.2); c.2322+33G>A (NM_001014797.3, NM_001322835.2, NM_001322837.2); c.2331+33G>A (NM_001322830.2); c.1857+33G>A (NM_001322838.2).
Identifiers: ClinVar variation 1683925 (VCV001683925.2), dbSNP rs201892905, ClinGen allele CA5568077.

ClinVar aggregate classification (germline): Likely benign (1 of 4 stars; one submission).

Allele frequency attached by ClinVar (database versions not stated): gnomAD 0.00001 and 0.00020; TOPMed 0.00003; gnomAD exomes 0.00095; ExAC 0.00103; 1000 Genomes Project 30x 0.00125; 1000 Genomes Project 0.00160.
gnomAD v4.1: 693 of 1,613,754 alleles (0.043%); highest among the groups gnomAD compares: South Asian, 0.72%; 11 homozygotes.

Submission:

GeneDx
Classification: Likely benign. Last evaluated: 2021-11-03. Review status: criteria provided, single submitter. Criteria: GeneDx Variant Classification Process June 2021. Collection method: clinical testing. Allele origin: germline. Affected: yes.
Comment: See Variant Classification Assertion Criteria.